The following is an entry in ClinVar:

NM_001365999.1(SZT2):c.2812G>A (p.Ala938Thr)

Gene: SZT2 (SZT2 subunit of KICSTOR complex; plus strand). Cytogenetic location: 1p34.2.
Variant type: single nucleotide variant.
Coding change: c.2812G>A on transcript NM_001365999.1 (MANE Select); coding-DNA position 2812, G replaced by A.
Protein change: p.Ala938Thr; replaces alanine 938 with threonine.
Molecular consequence: missense variant.
Genome position (GRCh38, 1-based): chr1:43,425,640, G>A. VCF-style: chr1-43425640-G-A. GRCh37 (hg19) VCF-style: chr1-43891311-G-A.
Other names: c.2812G>A, p.Ala938Thr (NM_015284.4); short protein forms A938T.
Identifiers: ClinVar variation 433087 (VCV000433087.57), dbSNP rs143880787, ClinGen allele CA808805.

ClinVar aggregate classification (germline): Uncertain significance. Review status: criteria provided, multiple submitters, no conflicts (2 of 4 stars). 11 submissions from 11 submitters: Uncertain significance (9). 2 of the submissions do not count toward it. Last evaluated 2025-12-08.

Conditions:
Inborn genetic diseases. Identifiers: MedGen C0950123, MeSH D030342.
SZT2-related disorder. Also called: SZT2-related condition.
Self-limited epilepsy with centrotemporal spikes. Also called: Childhood epilepsy with centrotemporal spikes; Rolandic epilepsy. Identifiers: Orphanet 1945, MedGen C0376532, MONDO:0007295.
Developmental and epileptic encephalopathy, 18 (DEE18). Also called: Early infantile epileptic encephalopathy 18. Identifiers: Orphanet 369894, MedGen C3809624, MONDO:0014201, OMIM 615476.

Allele frequency attached by ClinVar (database versions not stated): gnomAD exomes 0.00016 and 0.00024; TOPMed 0.00018; ExAC 0.00033; gnomAD 0.00033 and 0.00034; ESP Exome Variant Server 0.00046.
gnomAD v4.1: 276 of 1,613,696 alleles (0.017%); highest among the groups gnomAD compares: Non-Finnish European, 0.021%; no homozygotes.

Submissions (11):

Labcorp Genetics (formerly Invitae), Labcorp
Classification: Uncertain significance. Last evaluated: 2025-12-08. Review status: criteria provided, single submitter. Criteria: Invitae Variant Classification Sherloc (09022015). Collection method: clinical testing. Allele origin: germline.
Comment: This sequence change replaces alanine, which is neutral and non-polar, with threonine, which is neutral and polar, at codon 938 of the SZT2 protein (p.Ala938Thr). This variant is present in population databases (rs143880787, gnomAD 0.05%). This missense change has been observed in individual(s) with Rolandic epilepsy (PMID: 29358611). ClinVar contains an entry for this variant (Variation ID: 433087). An algorithm developed to predict the effect of missense changes on protein structure and function (PolyPhen-2) suggests that this variant is likely to be disruptive. In summary, the available evidence is currently insufficient to determine the role of this variant in disease. Therefore, it has been classified as a Variant of Uncertain Significance.

Ambry Genetics
Classification: Uncertain significance for Inborn genetic diseases. Last evaluated: 2025-09-24. Review status: criteria provided, single submitter. Criteria: Ambry Variant Classification Scheme 2023. Collection method: clinical testing. Allele origin: germline.
Comment: The c.2812G>A (p.A938T) alteration is located in exon 19 (coding exon 19) of the SZT2 gene. This alteration results from a G to A substitution at nucleotide position 2812, causing the alanine (A) at amino acid position 938 to be replaced by a threonine (T). Based on data from gnomAD, the A allele has an overall frequency of 0.023% (66/282470) total alleles studied. The highest observed frequency was 0.044% (57/129012) of European (non-Finnish) alleles. This amino acid position is highly conserved in available vertebrate species. The in silico prediction for this alteration is inconclusive. Based on insufficient or conflicting evidence, the clinical significance of this alteration remains unclear.

GeneDx
Classification: Uncertain significance. Last evaluated: 2025-02-27. Review status: criteria provided, single submitter. Criteria: GeneDx Variant Classification Process June 2021. Collection method: clinical testing. Allele origin: germline. Affected: yes.
Comment: Observed in a patient with childhood focal epilepsy with centro-temporal spikes through whole exome sequencing, however, a second SZT2 variant was not reported (PMID: 29358611); In silico analysis supports that this missense variant has a deleterious effect on protein structure/function; This variant is associated with the following publications: (PMID: 29358611)

Blueprint Genetics
Classification: Uncertain significance. Last evaluated: 2024-11-07. Review status: criteria provided, single submitter. Criteria: ACMG Guidelines, 2015. Collection method: clinical testing. Allele origin: germline.

Centre of Medical Genetics, University Hospital Muenster
Classification: Uncertain significance. Last evaluated: 2024-09-06. Review status: criteria provided, single submitter. Criteria: ACMG Guidelines, 2015. Collection method: clinical testing. Allele origin: unknown. Affected: yes. Observed: 1 variant allele, 1 heterozygote.
Comment: ACMG categories: PM2,PP3

Genome-Nilou Lab
Classification: Uncertain significance for Developmental and epileptic encephalopathy, 18. Last evaluated: 2023-04-11. Review status: criteria provided, single submitter. Criteria: ACMG Guidelines, 2015. Collection method: clinical testing. Allele origin: germline. Affected: no.

Baylor Genetics
Classification: Uncertain significance for Developmental and epileptic encephalopathy, 18. Last evaluated: 2020-09-04. Review status: criteria provided, single submitter. Criteria: ACMG Guidelines, 2015. Collection method: clinical testing. Allele origin: unknown. Affected: yes.
Comment: This variant was determined to be of uncertain significance according to ACMG Guidelines, 2015 [PMID:25741868].

CeGaT Center for Human Genetics Tuebingen
Classification: Uncertain significance. Last evaluated: 2020-04-01. Review status: criteria provided, single submitter. Criteria: CeGaT Center For Human Genetics Tuebingen Variant Classification Criteria Version 2. Collection method: clinical testing. Allele origin: germline. Affected: yes. Observed: 1 variant allele.

Centre for Mendelian Genomics, University Medical Centre Ljubljana
Classification: Uncertain significance for Developmental and epileptic encephalopathy, 18. Last evaluated: 2019-07-19. Review status: criteria provided, single submitter. Criteria: ACMG Guidelines, 2015. Collection method: clinical testing. Allele origin: unknown. Affected: yes.
Comment: This variant was classified as: Uncertain significance. The available evidence on this variant's pathogenicity is insufficient or conflicting. The following ACMG criteria were applied in classifying this variant: PP5.

PreventionGenetics, part of Exact Sciences
Classification: Uncertain significance for SZT2-related condition. Last evaluated: 2024-08-28. Review status: no assertion criteria provided. Collection method: clinical testing. Allele origin: germline. Not counted in ClinVar's aggregate classification.
Comment: The SZT2 c.2812G>A variant is predicted to result in the amino acid substitution p.Ala938Thr. This variant was reported as a single heterozygote in an individual with Rolandic epilepsy (Bobbili et al. 2018. PubMed ID: 29358611, Supplemental Table 1); however, no additional information was provided to support causation. This variant is reported in 0.044% of alleles in individuals of European (Non-Finnish) descent in gnomAD, which is more common than expected for a primary cause of disease. At this time, the clinical significance of this variant is uncertain due to the absence of conclusive functional and genetic evidence.

Bioinformatics Core, Luxembourg Center for Systems Biomedicine
Classification: Pathogenic for Self-limited epilepsy with centrotemporal spikes. Last evaluated: 2017-01-01. Review status: no assertion criteria provided. Collection method: case-control. Allele origin: germline. Affected: yes. Study: EUROEPINOMICS COGIE. Not counted in ClinVar's aggregate classification.

Literature cited by the submitters: PubMed 29358611 (cited by Labcorp Genetics (formerly Invitae), Labcorp and Bioinformatics Core, Luxembourg Center for Systems Biomedicine).